The following is an entry in ClinVar:

NM_000059.4(BRCA2):c.1375T>G (p.Leu459Val)

Gene: BRCA2 (BRCA2 DNA repair associated; plus strand). Cytogenetic location: 13q13.1.
Variant type: single nucleotide variant.
Coding change: c.1375T>G on transcript NM_000059.4 (MANE Select); coding-DNA position 1375, T replaced by G.
Protein change: p.Leu459Val; replaces leucine 459 with valine.
Molecular consequence: missense variant.
Genome position (GRCh38, 1-based): chr13:32,332,853, T>G. VCF-style: chr13-32332853-T-G. GRCh37 (hg19) VCF-style: chr13-32906990-T-G.
Other names: short protein forms L459V.
Identifiers: ClinVar variation 51112 (VCV000051112.13), dbSNP rs80358426, ClinGen allele CA011810.

ClinVar aggregate classification (germline): Conflicting classifications of pathogenicity. Review status: criteria provided, conflicting classifications (1 of 4 stars). 4 submissions from 4 submitters: Uncertain significance (2); Likely benign (1). 1 of the submissions does not count toward it. Last evaluated 2026-04-03.

Conditions:
Hereditary cancer-predisposing syndrome. Also called: Neoplastic Syndromes, Hereditary; Hereditary neoplastic syndrome; Tumor predisposition; Hereditary Cancer Syndrome. Identifiers: Orphanet 140162, MedGen C0027672, MeSH D009386, MONDO:0015356.
Hereditary breast ovarian cancer syndrome. Also called: Hereditary breast and/or ovarian cancer syndrome; Hereditary breast and ovarian cancer; Hereditary breast and ovarian cancer syndrome (HBOC); Breast and ovarian cancer; BRCA1- and BRCA2-Associated Hereditary Breast and Ovarian Cancer; Hereditary breast and ovarian cancer syndrome. Identifiers: Orphanet 145, MedGen C0677776, MeSH D061325, MONDO:0003582. Disease mechanism: loss of function.
Breast-ovarian cancer, familial, susceptibility to, 2 (BROVCA2). Also called: BRCA2 Hereditary Breast and Ovarian Cancer. Identifiers: Orphanet 145, MedGen C2675520, MONDO:0012933, OMIM 612555. Disease mechanism: loss of function.

Submissions (4):

Ambry Genetics
Classification: Uncertain significance for Hereditary cancer-predisposing syndrome. Last evaluated: 2026-04-03. Review status: criteria provided, single submitter. Criteria: Ambry Variant Classification Scheme 2023. Collection method: clinical testing. Allele origin: germline.
Comment: The p.L459V variant (also known as c.1375T>G), located in coding exon 9 of the BRCA2 gene, results from a T to G substitution at nucleotide position 1375. The leucine at codon 459 is replaced by valine, an amino acid with highly similar properties. This amino acid position is conserved. In addition, this alteration is predicted to be tolerated by in silico analysis. Based on the available evidence, the clinical significance of this variant remains unclear.

Labcorp Genetics (formerly Invitae), Labcorp
Classification: Uncertain significance for Hereditary breast ovarian cancer syndrome. Last evaluated: 2024-10-24. Review status: criteria provided, single submitter. Criteria: Invitae Variant Classification Sherloc (09022015). Collection method: clinical testing. Allele origin: germline.
Comment: This sequence change replaces leucine, which is neutral and non-polar, with valine, which is neutral and non-polar, at codon 459 of the BRCA2 protein (p.Leu459Val). This variant is not present in population databases (gnomAD no frequency). This missense change has been observed in individual(s) with BRCA2-related conditions (PMID: 10923033). ClinVar contains an entry for this variant (Variation ID: 51112). Invitae Evidence Modeling of protein sequence and biophysical properties (such as structural, functional, and spatial information, amino acid conservation, physicochemical variation, residue mobility, and thermodynamic stability) indicates that this missense variant is not expected to disrupt BRCA2 protein function with a negative predictive value of 95%. In summary, the available evidence is currently insufficient to determine the role of this variant in disease. Therefore, it has been classified as a Variant of Uncertain Significance.

University of Washington Department of Laboratory Medicine, University of Washington
Classification: Likely benign for Hereditary cancer-predisposing syndrome. Last evaluated: 2023-03-23. Review status: criteria provided, single submitter. Criteria: Dines et al. (Genet Med. 2020). Collection method: curation. Allele origin: germline.
Comment: Missense variant in a coldspot region where missense variants are very unlikely to be pathogenic (PMID:31911673).

BRCA2 exon 10 coldspot. Reclassification based on statistical prior probability.

Breast Cancer Information Core (BIC) (BRCA2)
Classification: Uncertain significance for Breast-ovarian cancer, familial 2. Last evaluated: 1998-11-30. Review status: no assertion criteria provided. Collection method: clinical testing. Allele origin: germline. Affected: yes. Observed: 1 variant allele. Not counted in ClinVar's aggregate classification.

Literature cited by the submitters: PubMed 10923033 (cited by Labcorp Genetics (formerly Invitae), Labcorp).